The following is an entry in ClinVar:

NM_000557.5(GDF5):c.841C>T (p.Arg281Cys)

Genes: GDF5 (growth differentiation factor 5; minus strand), GDF5-AS1 (GDF5 antisense RNA 1; plus strand). Cytogenetic location: 20q11.22.
Variant type: single nucleotide variant.
Coding change: c.841C>T on transcript NM_000557.5 (MANE Select); coding-DNA position 841, C replaced by T.
Protein change: p.Arg281Cys; replaces arginine 281 with cysteine.
Molecular consequence: missense variant. On other transcripts: non-coding transcript variant (1).
Genome position (GRCh38, 1-based): chr20:35,434,574, G>A on the plus strand (C>T on the coding strand, the complement: GDF5 is on the minus strand). VCF-style: chr20-35434574-G-A. GRCh37 (hg19) VCF-style: chr20-34022372-G-A.
Other names: c.841C>T, p.Arg281Cys (NM_001319138.2); short protein forms R281C.
Identifiers: ClinVar variation 2293918 (VCV002293918.3), dbSNP rs748145194, ClinGen allele CA9832220.

ClinVar aggregate classification (germline): Uncertain significance. Review status: criteria provided, multiple submitters, no conflicts (2 of 4 stars). 2 submissions from 2 submitters: Uncertain significance (2). Last evaluated 2025-08-09.

Conditions:
Inborn genetic diseases. Identifiers: MedGen C0950123, MeSH D030342.

Allele frequency attached by ClinVar (database versions not stated): TOPMed below 0.00001; ExAC 0.00001; gnomAD 0.00001; gnomAD exomes 0.00003.
gnomAD v4.1: 37 of 1,586,894 alleles (0.0023%); highest among the groups gnomAD compares: Non-Finnish European, 0.0032%; no homozygotes.

Submissions (2):

Labcorp Genetics (formerly Invitae), Labcorp
Classification: Uncertain significance. Last evaluated: 2025-08-09. Review status: criteria provided, single submitter. Criteria: Invitae Variant Classification Sherloc (09022015). Collection method: clinical testing. Allele origin: germline.
Comment: This sequence change replaces arginine, which is basic and polar, with cysteine, which is neutral and slightly polar, at codon 281 of the GDF5 protein (p.Arg281Cys). This variant is not present in population databases (gnomAD no frequency). This variant has not been reported in the literature in individuals affected with GDF5-related conditions. ClinVar contains an entry for this variant (Variation ID: 2293918). Invitae Evidence Modeling of protein sequence and biophysical properties (such as structural, functional, and spatial information, amino acid conservation, physicochemical variation, residue mobility, and thermodynamic stability) indicates that this missense variant is not expected to disrupt GDF5 protein function with a negative predictive value of 80%. In summary, the available evidence is currently insufficient to determine the role of this variant in disease. Therefore, it has been classified as a Variant of Uncertain Significance.

Ambry Genetics
Classification: Uncertain significance for Inborn genetic diseases. Last evaluated: 2022-06-03. Review status: criteria provided, single submitter. Criteria: Ambry Variant Classification Scheme 2023. Collection method: clinical testing. Allele origin: germline.